The following is an entry in ClinVar:

ClinVar aggregate classification (germline): Pathogenic (1 of 4 stars; one submission).

Conditions:
Familial focal epilepsy with variable foci (FPEVF). Identifiers: Orphanet 98820, MedGen C1858477, MONDO:0020310.

Submission:

Labcorp Genetics (formerly Invitae), Labcorp
Classification: Pathogenic for Familial focal epilepsy with variable foci. Last evaluated: 2024-02-23. Review status: criteria provided, single submitter. Criteria: Invitae Variant Classification Sherloc (09022015). Collection method: clinical testing. Allele origin: germline.
Comment: This sequence change creates a premature translational stop signal (p.Gln923Leufs*6) in the DEPDC5 gene. It is expected to result in an absent or disrupted protein product. Loss-of-function variants in DEPDC5 are known to be pathogenic (PMID: 23542697, 23542701). This variant is not present in population databases (gnomAD no frequency). This variant has not been reported in the literature in individuals affected with DEPDC5-related conditions. ClinVar contains an entry for this variant (Variation ID: 1363533). For these reasons, this variant has been classified as Pathogenic.

Literature cited by the submitters: PubMed 23542697; PubMed 23542701.

NM_001242896.3(DEPDC5):c.2768_2775del (p.Gln923fs)

Gene: DEPDC5 (DEP domain containing 5, GATOR1 subcomplex subunit; plus strand). Cytogenetic location: 22q12.3.
Variant type: Deletion.
Coding change: c.2768_2775del on transcript NM_001242896.3 (MANE Select); coding-DNA positions 2768 to 2775, 8 bases deleted (AGTATATC; older notation c.2768_2775delAGTATATC).
Protein change: p.Gln923fs; shifts the reading frame from glutamine 923.
Molecular consequence: frameshift variant. On other transcripts: non-coding transcript variant (5).
Genome position (GRCh38, 1-based): chr22:31,843,779-31,843,786, AGTATATC deleted; deleting any 8 consecutive bases within chr22:31,843,776-31,843,786 gives the same sequence; the c. name uses the placement nearest the transcript's 3' end. VCF-style (leftmost placement, unchanged base first): chr22-31843775-GATCAGTAT-G. GRCh37 (hg19) VCF-style: chr22-32239761-GATCAGTAT-G.
Other names: c.2741_2748del, p.Gln914fs (NM_001136029.4, NM_001369903.1, NM_014662.6); c.2534_2541del, p.Gln845fs (NM_001242897.2, NM_001363854.2, NM_001364319.2); c.2768_2775del, p.Gln923fs (NM_001363852.2, NM_001364318.2, NM_001364320.2); c.2684_2691del, p.Gln895fs (NM_001369901.1, NM_001369902.1); short protein forms Q895fs, Q914fs, Q923fs, Q845fs.
Identifiers: ClinVar variation 1363533 (VCV001363533.6), dbSNP rs2149009589, ClinGen allele CA2573157987.
Genomic context (GRCh38, chr22:31,843,775, plus strand): 5'-GTCTCCTGCTGGGTGGAATTCTCCCACGAACGGCTGGAGGAGTACAAGTGGAATTACTTA[GATCAGTAT>G]ATCTGTTCTGCCGGCTCTGAAGACTTCAGGTCAGAGAGTGGGCTTTGGATTTCCATCTTT-3'